The following is an entry in ClinVar:

ClinVar aggregate classification (germline): Uncertain significance. Review status: criteria provided, multiple submitters, no conflicts (2 of 4 stars). 2 submissions from 2 submitters: Uncertain significance (2). Last evaluated 2023-11-01.

Allele frequency attached by ClinVar (database versions not stated): gnomAD 0.00001; gnomAD exomes 0.00001; TOPMed 0.00002.
gnomAD v4.1: 15 of 1,612,974 alleles (0.00093%); highest among the groups gnomAD compares: Middle Eastern, 0.033%; no homozygotes.

Submissions (2):

Labcorp Genetics (formerly Invitae), Labcorp
Classification: Uncertain significance. Last evaluated: 2023-11-01. Review status: criteria provided, single submitter. Criteria: Invitae Variant Classification Sherloc (09022015). Collection method: clinical testing. Allele origin: germline.
Comment: This sequence change replaces isoleucine, which is neutral and non-polar, with valine, which is neutral and non-polar, at codon 396 of the TRAP1 protein (p.Ile396Val). This variant is not present in population databases (gnomAD no frequency). This variant has not been reported in the literature in individuals affected with TRAP1-related conditions. ClinVar contains an entry for this variant (Variation ID: 1514469). Advanced modeling of protein sequence and biophysical properties (such as structural, functional, and spatial information, amino acid conservation, physicochemical variation, residue mobility, and thermodynamic stability) performed at Invitae indicates that this missense variant is not expected to disrupt TRAP1 protein function with a negative predictive value of 80%. In summary, the available evidence is currently insufficient to determine the role of this variant in disease. Therefore, it has been classified as a Variant of Uncertain Significance.

Ambry Genetics
Classification: Uncertain significance. Last evaluated: 2022-06-24. Review status: criteria provided, single submitter. Criteria: Ambry Variant Classification Scheme 2023. Collection method: clinical testing. Allele origin: germline.

NM_016292.3(TRAP1):c.1186A>G (p.Ile396Val)

Gene: TRAP1 (TNF receptor associated protein 1; minus strand). Cytogenetic location: 16p13.3.
Variant type: single nucleotide variant.
Coding change: c.1186A>G on transcript NM_016292.3 (MANE Select); coding-DNA position 1186, A replaced by G.
Protein change: p.Ile396Val; replaces isoleucine 396 with valine.
Molecular consequence: missense variant.
Genome position (GRCh38, 1-based): chr16:3,671,771, T>C on the plus strand (A>G on the coding strand, the complement: TRAP1 is on the minus strand). VCF-style: chr16-3671771-T-C. GRCh37 (hg19) VCF-style: chr16-3721772-T-C.
Other names: c.1186A>G (NM_016292.2); c.1027A>G, p.Ile343Val (NM_001272049.2); short protein forms I396V, I343V.
Identifiers: ClinVar variation 1514469 (VCV001514469.7), dbSNP rs544740882, ClinGen allele CA276995085.
Genomic context (GRCh38, chr16:3,671,771, plus strand): 5'-CCGAGGCTCACCTGATGAGTGCGCTCTCCTGCAGCAGCTCCCGGCTGAGGTTCAGGGGAA[T>C]GTCCTCACTGTCCACCACACCTGGGAGACACGGCAGTCAGCTTCTCCCGGGGCTGCGGCC-3'
Protein context (NP_057376.2, residues 386-406): FIRGVVDSED[Ile396Val]PLNLSRELLQ